The following is an entry in ClinVar:

ClinVar aggregate classification (germline): Pathogenic. Review status: criteria provided, single submitter (1 of 4 stars). 2 submissions from 2 submitters: Pathogenic (1). 1 of the submissions does not count toward it. Last evaluated 2023-01-24.

Conditions:
Breast and/or ovarian cancer. Identifiers: MedGen CN221562.
Microcephaly, normal intelligence and immunodeficiency (NBS). Also called: BERLIN BREAKAGE SYNDROME; Immunodeficiency, microcephaly with normal intelligence; SEEMANOVA SYNDROME II; Nijmegen breakage syndrome; Microcephaly with normal intelligence immunodeficiency and lymphoreticular malignancies; Nonsyndromal microcephaly autosomal recessive with normal intelligence. Identifiers: Orphanet 647, MedGen C0398791, MONDO:0009623, OMIM 251260.

Submissions (2):

Labcorp Genetics (formerly Invitae), Labcorp
Classification: Pathogenic for Microcephaly, normal intelligence and immunodeficiency. Last evaluated: 2023-01-24. Review status: criteria provided, single submitter. Criteria: Invitae Variant Classification Sherloc (09022015). Collection method: clinical testing. Allele origin: germline.
Comment: This sequence change creates a premature translational stop signal (p.Lys465*) in the NBN gene. It is expected to result in an absent or disrupted protein product. Loss-of-function variants in NBN are known to be pathogenic (PMID: 9590180, 16415040). This variant is not present in population databases (gnomAD no frequency). This variant has not been reported in the literature in individuals affected with NBN-related conditions. ClinVar contains an entry for this variant (Variation ID: 989414). For these reasons, this variant has been classified as Pathogenic.

CZECANCA consortium
Classification: Pathogenic for Breast and/or ovarian cancer. Last evaluated: 2019-06-11. Review status: no assertion criteria provided. Collection method: case-control. Allele origin: germline. Affected: no. Observed: 1 variant allele. Not counted in ClinVar's aggregate classification.

Literature cited by the submitters: PubMed 9590180 (cited by Labcorp Genetics (formerly Invitae), Labcorp); PubMed 16415040 (cited by Labcorp Genetics (formerly Invitae), Labcorp); PubMed 32295079 (cited by CZECANCA consortium).

NM_002485.5(NBN):c.1393A>T (p.Lys465Ter)

Gene: NBN (nibrin; minus strand). Cytogenetic location: 8q21.3.
Variant type: single nucleotide variant.
Coding change: c.1393A>T on transcript NM_002485.5 (MANE Select); coding-DNA position 1393, A replaced by T.
Protein change: p.Lys465Ter; replaces lysine 465 with a stop codon.
Molecular consequence: nonsense.
Genome position (GRCh38, 1-based): chr8:89,955,287, T>A on the plus strand (A>T on the coding strand, the complement: NBN is on the minus strand). VCF-style: chr8-89955287-T-A. GRCh37 (hg19) VCF-style: chr8-90967515-T-A.
Other names: c.1147A>T, p.Lys383Ter (NM_001024688.3); short protein forms K383*, K465*.
Identifiers: ClinVar variation 989414 (VCV000989414.4), dbSNP rs1563530658, ClinGen allele CA371655956.